The following is an entry in ClinVar:

ClinVar aggregate classification (germline): Pathogenic (1 of 4 stars; one submission).

Submission:

GeneDx
Classification: Pathogenic. Last evaluated: 2020-09-30. Review status: criteria provided, single submitter. Criteria: GeneDx Variant Classification Process June 2021. Collection method: clinical testing. Allele origin: germline. Affected: yes.
Comment: Has not been previously published as pathogenic or benign to our knowledge; Not observed in large population cohorts (Lek et al., 2016); Nonsense variant predicted to result in protein truncation or nonsense mediated decay in a gene for which loss-of-function is a known mechanism of disease

NM_001278116.2(L1CAM):c.3071C>G (p.Ser1024Ter)

Gene: L1CAM (L1 cell adhesion molecule; minus strand). Cytogenetic location: Xq28.
Variant type: single nucleotide variant.
Coding change: c.3071C>G on transcript NM_001278116.2 (MANE Select); coding-DNA position 3071, C replaced by G.
Protein change: p.Ser1024Ter; replaces serine 1024 with a stop codon.
Molecular consequence: nonsense.
Genome position (GRCh38, 1-based): chrX:153,864,680, G>C on the plus strand (C>G on the coding strand, the complement: L1CAM is on the minus strand). VCF-style: chrX-153864680-G-C. GRCh37 (hg19) VCF-style: chrX-153130135-G-C.
Other names: c.3071C>G, p.Ser1024Ter (NM_000425.5, NM_024003.3); c.3056C>G, p.Ser1019Ter (NM_001143963.2); short protein forms S1024*, S1019*.
Identifiers: ClinVar variation 488701 (VCV000488701.2), dbSNP rs1557090143, ClinGen allele CA415113404.